The following is an entry in ClinVar:

ClinVar aggregate classification (germline): Conflicting classifications of pathogenicity. Review status: criteria provided, conflicting classifications (1 of 4 stars). 2 submissions from 2 submitters: Uncertain significance (1); Likely benign (1). Last evaluated 2026-09-03.

Conditions:
APC-related disorder. Also called: APC-related condition.
Hereditary cancer-predisposing syndrome. Also called: Hereditary neoplastic syndrome; Neoplastic Syndromes, Hereditary; Tumor predisposition; Hereditary Cancer Syndrome. Identifiers: Orphanet 140162, MedGen C0027672, MeSH D009386, MONDO:0015356.

gnomAD v4.1: 1 of 152,108 alleles (0.00066%); highest among the groups gnomAD compares: African/African-American, 0.0024%; no homozygotes.

Submissions (2):

PreventionGenetics, part of Exact Sciences
Classification: Likely benign for APC-related condition. Last evaluated: 2026-09-03. Review status: criteria provided, single submitter. Criteria: ACMG Guidelines, 2015. Collection method: clinical testing. Allele origin: germline.
Comment: This variant is classified as likely benign based on ACMG/AMP sequence variant interpretation guidelines (Richards et al. 2015 PMID: 25741868, with internal and published modifications).

Sema4
Classification: Uncertain significance for Hereditary cancer-predisposing syndrome. Last evaluated: 2022-03-13. Review status: criteria provided, single submitter. Criteria: Sema4 Curation Guidelines. Collection method: curation. Allele origin: germline.
Comment: The APC c.-18-17562A>G variant has not been reported in the literature to our knowledge. It was not observed in the large and broad cohorts of the Genome Aggregation Database (PMID: 32461654). This variant has not been reported in ClinVar. The evidence is insufficient to meet ACMG/AMP criteria for classifying the variant as benign or pathogenic. Thus, the clinical significance of this variant is currently uncertain.

NM_001127511.3(APC):c.166-29015A>G

Gene: APC (APC regulator of Wnt signaling pathway; plus strand). Cytogenetic location: 5q22.2.
Variant type: single nucleotide variant.
Coding change: c.166-29015A>G on transcript NM_001127511.3; 29015 bases into the intron before coding-DNA position 166, A replaced by G.
Molecular consequence: intron variant.
Genome position (GRCh38, 1-based): chr5:112,737,311, A>G. VCF-style: chr5-112737311-A-G. GRCh37 (hg19) VCF-style: chr5-112073008-A-G.
Other names: c.-1053-17562A>G (NM_001407470.1, NM_001407472.1); c.-18-17562A>G (NM_001407447.1, NM_001354895.2, NM_001407456.1 and 7 more transcripts); c.166-29015A>G (NM_001407446.1, NM_001354897.2, NM_001354902.2); c.-42-29015A>G (NM_001407453.1).
Identifiers: ClinVar variation 1692568 (VCV001692568.2), dbSNP rs75581138, ClinGen allele CA1080212507.